The following is an entry in ClinVar:

NM_015100.4(POGZ):c.1837C>T (p.His613Tyr)

Gene: POGZ (pogo transposable element derived with ZNF domain; minus strand). Cytogenetic location: 1q21.3.
Variant type: single nucleotide variant.
Coding change: c.1837C>T on transcript NM_015100.4 (MANE Select); coding-DNA position 1837, C replaced by T.
Protein change: p.His613Tyr; replaces histidine 613 with tyrosine.
Molecular consequence: missense variant.
Genome position (GRCh38, 1-based): chr1:151,411,714, G>A on the plus strand (C>T on the coding strand, the complement: POGZ is on the minus strand). VCF-style: chr1-151411714-G-A. GRCh37 (hg19) VCF-style: chr1-151384190-G-A.
Other names: c.1810C>T, p.His604Tyr (NM_001194937.2); c.1651C>T, p.His551Tyr (NM_001194938.2); c.1858C>T, p.His620Tyr (NM_001410860.1); c.1552C>T, p.His518Tyr (NM_145796.4); c.1678C>T, p.His560Tyr (NM_207171.2); short protein forms H518Y, H604Y, H560Y, H613Y, H620Y, H551Y.
Identifiers: ClinVar variation 4795426 (VCV004795426.1).

ClinVar aggregate classification (germline): Pathogenic (1 of 4 stars; one submission).

Submission:

GeneDx
Classification: Pathogenic. Last evaluated: 2025-08-16. Review status: criteria provided, single submitter. Criteria: GeneDx Variant Classification Process June 2021. Collection method: clinical testing. Allele origin: germline. Affected: yes.
Comment: Not observed at significant frequency in large population cohorts (gnomAD); In silico analysis supports that this missense variant has a deleterious effect on protein structure/function; Has not been previously published as pathogenic or benign to our knowledge; This variant is associated with the following publications: (PMID: 26785492)